The following is an entry in ClinVar:

ClinVar aggregate classification (germline): Uncertain significance (1 of 4 stars; one submission).

Conditions:
Hereditary cancer-predisposing syndrome. Also called: Tumor predisposition; Neoplastic Syndromes, Hereditary; Hereditary Cancer Syndrome; Hereditary neoplastic syndrome. Identifiers: Orphanet 140162, MedGen C0027672, MeSH D009386, MONDO:0015356.

Submission:

Ambry Genetics
Classification: Uncertain significance for Hereditary cancer-predisposing syndrome. Last evaluated: 2024-09-17. Review status: criteria provided, single submitter. Criteria: Ambry Variant Classification Scheme 2023. Collection method: clinical testing. Allele origin: germline.
Comment: The p.E1046K variant (also known as c.3136G>A), located in coding exon 9 of the BRCA1 gene, results from a G to A substitution at nucleotide position 3136. The glutamic acid at codon 1046 is replaced by lysine, an amino acid with similar properties. This amino acid position is highly conserved in available vertebrate species. In addition, the in silico prediction for this alteration is inconclusive. Based on the available evidence, the clinical significance of this variant remains unclear.

NM_007294.4(BRCA1):c.3136G>A (p.Glu1046Lys)

Gene: BRCA1 (BRCA1 DNA repair associated; minus strand). Cytogenetic location: 17q21.31.
Variant type: single nucleotide variant.
Coding change: c.3136G>A on transcript NM_007294.4 (MANE Select); coding-DNA position 3136, G replaced by A.
Protein change: p.Glu1046Lys; replaces glutamic acid 1046 with lysine.
Molecular consequence: missense variant. On other transcripts: intron variant (137).
Genome position (GRCh38, 1-based): chr17:43,092,395, C>T on the plus strand (G>A on the coding strand, the complement: BRCA1 is on the minus strand). VCF-style: chr17-43092395-C-T. GRCh37 (hg19) VCF-style: chr17-41244412-C-T.
Other names: c.2803G>A, p.Glu935Lys (NM_001407949.1, NM_001407950.1, NM_001407951.1 and 6 more transcripts); c.2800G>A, p.Glu934Lys (NM_001407955.1, NM_001407956.1, NM_001407954.1 and 1 more transcripts); c.710-1363G>A (NM_001408409.1, NM_001408414.1, NM_001408411.1 and 2 more transcripts); c.575-1363G>A (NM_001408493.1, NM_001408490.1, NM_001408491.1); c.455-1363G>A (NM_001408502.1); c.578-1363G>A (NM_001408489.1, NM_001408479.1, NM_001408482.1 and 9 more transcripts); c.662-1363G>A (NM_001408445.1, NM_001408432.1, NM_001408450.1 and 6 more transcripts); c.668-1363G>A (NM_001408431.1, NM_001408424.1, NM_001408421.1); and 41 more; short protein forms E1005K, E1045K, E750K, E878K, E958K, E998K, E919K, E935K.
Identifiers: ClinVar variation 3481856 (VCV003481856.1).